The following is an entry in ClinVar:

NM_004259.7(RECQL5):c.1056G>A (p.Arg352=)

Gene: RECQL5 (RecQ like helicase 5; minus strand). Cytogenetic location: 17q25.1.
Variant type: single nucleotide variant.
Coding change: c.1056G>A on transcript NM_004259.7 (MANE Select); coding-DNA position 1056, G replaced by A.
Protein change: p.Arg352=; no amino-acid change (arginine 352 retained).
Molecular consequence: synonymous variant.
Genome position (GRCh38, 1-based): chr17:75,658,391, C>T on the plus strand (G>A on the coding strand, the complement: RECQL5 is on the minus strand). VCF-style: chr17-75658391-C-T. GRCh37 (hg19) VCF-style: chr17-73654471-C-T.
Other names: c.1056G>A, p.Arg352= (NM_001003715.4, NM_001003716.4).
Identifiers: ClinVar variation 3046686 (VCV003046686.2), dbSNP rs148336076, ClinGen allele CA8767763.
Genomic context (GRCh38, chr17:75,658,391, plus strand): 5'-GCTGACTTGGTCCCGGTCATTCCTGGAGTAATAGAGACGGCACCAGGAAGGCTTCCCATC[C>T]CTGCCAGCCCGGCCAGACTCCTGGTAGTACCCAGCCATAGACTTGGCAATATTCCAATGG-3'
Protein context (NP_004250.4, residues 342-362): GYYQESGRAG[Arg352=]DGKPSWCRLY

ClinVar aggregate classification (germline): Likely benign (0 of 4 stars; one submission).

Conditions:
RECQL5-related disorder. Also called: RECQL5-related condition.

Allele frequency attached by ClinVar (database versions not stated): gnomAD exomes 0.00002; ExAC 0.00012; TOPMed 0.00036; gnomAD 0.00040; ESP Exome Variant Server 0.00054; 1000 Genomes Project 0.00060; 1000 Genomes Project 30x 0.00078.
gnomAD v4.1: 95 of 1,614,084 alleles (0.0059%); highest among the groups gnomAD compares: African/African-American, 0.12%; 1 homozygote.

Submission:

PreventionGenetics, part of Exact Sciences
Classification: Likely benign for RECQL5-related condition. Last evaluated: 2022-06-13. Review status: no assertion criteria provided. Collection method: clinical testing. Allele origin: germline.
Comment: This variant is classified as likely benign based on ACMG/AMP sequence variant interpretation guidelines (Richards et al. 2015 PMID: 25741868, with internal and published modifications).